The following is an entry in ClinVar:

ClinVar aggregate classification (germline): Uncertain significance (1 of 4 stars; one submission).

Conditions:
Hereditary cancer-predisposing syndrome. Also called: Neoplastic Syndromes, Hereditary; Tumor predisposition; Hereditary Cancer Syndrome; Hereditary neoplastic syndrome. Identifiers: Orphanet 140162, MedGen C0027672, MeSH D009386, MONDO:0015356.

Submissions (2):

Color Diagnostics, LLC DBA Color Health
Classification: Uncertain significance for Hereditary cancer-predisposing syndrome. Last evaluated: 2022-11-16. Review status: criteria provided, single submitter. Criteria: ACMG Guidelines, 2015. Collection method: clinical testing. Allele origin: germline.
Comment: This missense variant replaces serine with glycine at codon 76 of the BRCA1 protein. Computational prediction suggests that this variant may have deleterious impact on protein structure and function (internally defined REVEL score threshold >= 0.7, PMID: 27666373). Functional studies have reported that this variant does not disrupt BRCA1 function in ubiquitin E3 ligase and BARD1 binding assays and a haploid cell proliferation assay (PMID: 25823446 , 30219179), and it is predicted to have no impact on homology-directed repair (PMID: 30219179). To our knowledge, this variant has not been reported in individuals affected with BRCA1-related disorders in the literature. This variant has not been identified in the general population by the Genome Aggregation Database (gnomAD). The available evidence is insufficient to determine the role of this variant in disease conclusively. Therefore, this variant is classified as a Variant of Uncertain Significance.

Brotman Baty Institute, University of Washington
No classification provided (evidence only). Condition: Breast-ovarian cancer, familial 1. Review status: no classification provided. Collection method: in vitro. Allele origin: not applicable. Functional consequence: functionally_normal. Not counted in ClinVar's aggregate classification.
ClinVar note: "not provided" was previously submitted as the classification for the variant. However, the classification appeared to be based only on an observation of functional data so it was converted to no classification on 2025-07-30.

Literature cited by the submitters: PubMed 25823446 (cited by Color Diagnostics, LLC DBA Color Health); PubMed 30219179 (cited by Color Diagnostics, LLC DBA Color Health).

NM_007294.4(BRCA1):c.226A>G (p.Ser76Gly)

Gene: BRCA1 (BRCA1 DNA repair associated; minus strand). Cytogenetic location: 17q21.31.
Variant type: single nucleotide variant.
Coding change: c.226A>G on transcript NM_007294.4 (MANE Select); coding-DNA position 226, A replaced by G.
Protein change: p.Ser76Gly; replaces serine 76 with glycine.
Molecular consequence: missense variant. On other transcripts: non-coding transcript variant (1).
Genome position (GRCh38, 1-based): chr17:43,104,943, T>C on the plus strand (A>G on the coding strand, the complement: BRCA1 is on the minus strand). VCF-style: chr17-43104943-T-C. GRCh37 (hg19) VCF-style: chr17-41256960-T-C.
Other names: c.226A>G, p.Ser76Gly (NM_001407603.1, NM_001407605.1, NM_001407610.1 and 168 more transcripts); c.148A>G, p.Ser50Gly (NM_001407653.1, NM_001407654.1, NM_001407655.1 and 21 more transcripts); c.85A>G, p.Ser29Gly (NM_001407692.1, NM_001407694.1, NM_001407695.1 and 99 more transcripts); c.16A>G, p.Ser6Gly (NM_001407853.1, NM_001407879.1, NM_001407881.1 and 58 more transcripts); c.-156A>G (NM_001407959.1, NM_001407960.1, NM_001407962.1 and 4 more transcripts); c.94A>G, p.Ser32Gly (NM_001408451.1); short protein forms S29G, S76G, S6G, S32G, S50G.
Identifiers: ClinVar variation 867985 (VCV000867985.5), dbSNP rs2054695336, ClinGen allele CA10601709.